The following is an entry in ClinVar:

NM_003036.4(SKI):c.1127T>C (p.Leu376Pro)

Gene: SKI (SKI proto-oncogene; plus strand). Cytogenetic location: 1p36.32.
Variant type: single nucleotide variant.
Coding change: c.1127T>C on transcript NM_003036.4 (MANE Select); coding-DNA position 1127, T replaced by C.
Protein change: p.Leu376Pro; replaces leucine 376 with proline.
Molecular consequence: missense variant.
Genome position (GRCh38, 1-based): chr1:2,303,316, T>C. VCF-style: chr1-2303316-T-C. GRCh37 (hg19) VCF-style: chr1-2234755-T-C.
Other names: short protein forms L376P.
Identifiers: ClinVar variation 3796275 (VCV003796275.1).

ClinVar aggregate classification (germline): Uncertain significance (1 of 4 stars; one submission).

Conditions:
Familial thoracic aortic aneurysm and aortic dissection (TAAD). Also called: Thoracic aortic aneurysms and dissections. Identifiers: Orphanet 91387, MedGen C4707243, MONDO:0019625.

Submission:

Ambry Genetics
Classification: Uncertain significance for Familial thoracic aortic aneurysm and aortic dissection. Last evaluated: 2025-03-03. Review status: criteria provided, single submitter. Criteria: Ambry Variant Classification Scheme 2023. Collection method: clinical testing. Allele origin: germline.
Comment: The p.L376P variant (also known as c.1127T>C), located in coding exon 3 of the SKI gene, results from a T to C substitution at nucleotide position 1127. The leucine at codon 376 is replaced by proline, an amino acid with similar properties. This amino acid position is conserved. In addition, the in silico prediction for this alteration is inconclusive. Based on the available evidence, the clinical significance of this variant remains unclear.